The following is an entry in ClinVar:

NM_177438.3(DICER1):c.2249C>G (p.Pro750Arg)

Gene: DICER1 (dicer 1, ribonuclease III; minus strand). Cytogenetic location: 14q32.13.
Variant type: single nucleotide variant.
Coding change: c.2249C>G on transcript NM_177438.3 (MANE Select); coding-DNA position 2249, C replaced by G.
Protein change: p.Pro750Arg; replaces proline 750 with arginine.
Molecular consequence: missense variant.
Genome position (GRCh38, 1-based): chr14:95,111,324, G>C on the plus strand (C>G on the coding strand, the complement: DICER1 is on the minus strand). VCF-style: chr14-95111324-G-C. GRCh37 (hg19) VCF-style: chr14-95577661-G-C.
Other names: c.2249C>G, p.Pro750Arg (NM_001195573.1, NM_001271282.3, NM_001291628.2 and 1 more transcripts); short protein forms P750R.
Identifiers: ClinVar variation 242060 (VCV000242060.12), dbSNP rs878855249, ClinGen allele CA10583212.

ClinVar aggregate classification (germline): Uncertain significance. Review status: criteria provided, multiple submitters, no conflicts (2 of 4 stars). 2 submissions from 2 submitters: Uncertain significance (2). Last evaluated 2025-03-26.

Conditions:
DICER1-related tumor predisposition. Also called: DICER1 syndrome; DICER1-related pleuropulmonary blastoma cancer predisposition syndrome. Identifiers: Orphanet 284343, MedGen C3839822, MONDO:0100216.
Hereditary cancer-predisposing syndrome. Also called: Neoplastic Syndromes, Hereditary; Tumor predisposition; Hereditary neoplastic syndrome; Hereditary Cancer Syndrome. Identifiers: Orphanet 140162, MedGen C0027672, MeSH D009386, MONDO:0015356.

Allele frequency attached by ClinVar (database versions not stated): TOPMed below 0.00001; gnomAD 0.00001.
gnomAD v4.1: 1 of 1,613,992 alleles (0.000062%); highest among the groups gnomAD compares: Admixed American, 0.0017%; no homozygotes.

Submissions (2):

Labcorp Genetics (formerly Invitae), Labcorp
Classification: Uncertain significance for DICER1-related tumor predisposition. Last evaluated: 2025-03-26. Review status: criteria provided, single submitter. Criteria: Invitae Variant Classification Sherloc (09022015). Collection method: clinical testing. Allele origin: germline.
Comment: This sequence change replaces proline, which is neutral and non-polar, with arginine, which is basic and polar, at codon 750 of the DICER1 protein (p.Pro750Arg). This variant is not present in population databases (gnomAD no frequency). This variant has not been reported in the literature in individuals affected with DICER1-related conditions. ClinVar contains an entry for this variant (Variation ID: 242060). Invitae Evidence Modeling of protein sequence and biophysical properties (such as structural, functional, and spatial information, amino acid conservation, physicochemical variation, residue mobility, and thermodynamic stability) indicates that this missense variant is not expected to disrupt DICER1 protein function with a negative predictive value of 95%. In summary, the available evidence is currently insufficient to determine the role of this variant in disease. Therefore, it has been classified as a Variant of Uncertain Significance.

Ambry Genetics
Classification: Uncertain significance for Hereditary cancer-predisposing syndrome. Last evaluated: 2021-04-08. Review status: criteria provided, single submitter. Criteria: Ambry Variant Classification Scheme 2023. Collection method: clinical testing. Allele origin: germline.
Comment: The p.P750R variant (also known as c.2249C>G), located in coding exon 13 of the DICER1 gene, results from a C to G substitution at nucleotide position 2249. The proline at codon 750 is replaced by arginine, an amino acid with dissimilar properties. This amino acid position is highly conserved in available vertebrate species. In addition, the in silico prediction for this alteration is inconclusive. Since supporting evidence is limited at this time, the clinical significance of this alteration remains unclear.